The following is an entry in ClinVar:

ClinVar aggregate classification (germline): Conflicting classifications of pathogenicity. Review status: criteria provided, conflicting classifications (1 of 4 stars). 4 submissions from 4 submitters: Uncertain significance (3); Likely benign (1). Last evaluated 2025-11-09.

Conditions:
Hereditary cancer-predisposing syndrome. Also called: Hereditary neoplastic syndrome; Hereditary Cancer Syndrome; Tumor predisposition; Neoplastic Syndromes, Hereditary. Identifiers: Orphanet 140162, MedGen C0027672, MeSH D009386, MONDO:0015356.
Nonpapillary renal cell carcinoma. Identifiers: Orphanet 422526, MedGen CN074294, MONDO:0007763, OMIM 144700.
Colorectal cancer. Also called: Malignant Colorectal Neoplasm; Colorectal cancer, somatic. Identifiers: MedGen C0346629, MONDO:0005575, OMIM 114500.
Familial spontaneous pneumothorax (PSP). Identifiers: Orphanet 2903, MedGen C1868193, MONDO:0008259, OMIM 173600.
Birt-Hogg-Dube syndrome 1 (BHD1). Also called: FIBROFOLLICULOMAS WITH TRICHODISCOMAS AND ACROCHORDONS. Identifiers: Orphanet 122, MedGen CN375946, MONDO:0800445, OMIM 135150.
Birt-Hogg-Dube syndrome. Also called: Birt Hogg Dubé syndrome. Identifiers: Orphanet 122, MedGen C0346010, MONDO:0800444.

Allele frequency attached by ClinVar (database versions not stated): ExAC 0.00001; gnomAD 0.00001; TOPMed 0.00001; ESP Exome Variant Server 0.00008; gnomAD exomes below 0.00001.
gnomAD v4.1: 8 of 1,613,680 alleles (0.0005%); highest among the groups gnomAD compares: African/African-American, 0.0013%; no homozygotes.

Submissions (4):

Labcorp Genetics (formerly Invitae), Labcorp
Classification: Uncertain significance for Birt-Hogg-Dube syndrome. Last evaluated: 2025-11-09. Review status: criteria provided, single submitter. Criteria: Invitae Variant Classification Sherloc (09022015). Collection method: clinical testing. Allele origin: germline.
Comment: This sequence change replaces aspartic acid, which is acidic and polar, with glutamic acid, which is acidic and polar, at codon 33 of the FLCN protein (p.Asp33Glu). This variant is present in population databases (rs375348725, gnomAD 0.002%). This variant has not been reported in the literature in individuals affected with FLCN-related conditions. ClinVar contains an entry for this variant (Variation ID: 659702). Invitae Evidence Modeling of protein sequence and biophysical properties (such as structural, functional, and spatial information, amino acid conservation, physicochemical variation, residue mobility, and thermodynamic stability) indicates that this missense variant is not expected to disrupt FLCN protein function with a negative predictive value of 80%. In summary, the available evidence is currently insufficient to determine the role of this variant in disease. Therefore, it has been classified as a Variant of Uncertain Significance.

GeneDx
Classification: Uncertain significance. Last evaluated: 2025-03-25. Review status: criteria provided, single submitter. Criteria: GeneDx Variant Classification Process June 2021. Collection method: clinical testing. Allele origin: germline.
Comment: Not observed at significant frequency in large population cohorts (gnomAD); In silico analysis supports that this missense variant does not alter protein structure/function; Has not been previously published as pathogenic or benign to our knowledge

Fulgent Genetics
Classification: Uncertain significance for Colorectal cancer; Birt-Hogg-Dube syndrome 1; Nonpapillary renal cell carcinoma; Familial spontaneous pneumothorax. Last evaluated: 2024-05-02. Review status: criteria provided, single submitter. Criteria: ACMG Guidelines, 2015. Collection method: clinical testing. Allele origin: germline.

Ambry Genetics
Classification: Likely benign for Hereditary cancer-predisposing syndrome. Last evaluated: 2023-04-26. Review status: criteria provided, single submitter. Criteria: Ambry Variant Classification Scheme 2023. Collection method: clinical testing. Allele origin: germline.

NM_144997.7(FLCN):c.99T>A (p.Asp33Glu)

Gene: FLCN (folliculin; minus strand). Cytogenetic location: 17p11.2.
Variant type: single nucleotide variant.
Coding change: c.99T>A on transcript NM_144997.7 (MANE Select); coding-DNA position 99, T replaced by A.
Protein change: p.Asp33Glu; replaces aspartic acid 33 with glutamic acid.
Molecular consequence: missense variant.
Genome position (GRCh38, 1-based): chr17:17,228,039, A>T on the plus strand (T>A on the coding strand, the complement: FLCN is on the minus strand). VCF-style: chr17-17228039-A-T. GRCh37 (hg19) VCF-style: chr17-17131353-A-T.
Other names: c.99T>A (LRG_325t1); c.99T>A, p.Asp33Glu (NM_001353229.2, NM_001353230.2, NM_001353231.2 and 1 more transcripts); short protein forms D33E.
Identifiers: ClinVar variation 659702 (VCV000659702.15), dbSNP rs375348725, ClinGen allele CA8416515.